The following is an entry in ClinVar:

NM_000642.3(AGL):c.1729A>T (p.Ile577Leu)

Gene: AGL (amylo-alpha-1,6-glucosidase and 4-alpha-glucanotransferase; plus strand). Cytogenetic location: 1p21.2.
Variant type: single nucleotide variant.
Coding change: c.1729A>T on transcript NM_000642.3 (MANE Select); coding-DNA position 1729, A replaced by T.
Protein change: p.Ile577Leu; replaces isoleucine 577 with leucine.
Molecular consequence: missense variant.
Genome position (GRCh38, 1-based): chr1:99,880,040, A>T. VCF-style: chr1-99880040-A-T. GRCh37 (hg19) VCF-style: chr1-100345596-A-T.
Other names: c.1729A>T, p.Ile577Leu (NM_000643.3, NM_000644.3, NM_001425325.1 and 2 more transcripts); c.1681A>T, p.Ile561Leu (NM_000646.3); c.1528A>T, p.Ile510Leu (NM_001425327.1); c.1525A>T, p.Ile509Leu (NM_001425328.1, NM_001425329.1); c.1351A>T, p.Ile451Leu (NM_001425332.1); short protein forms I577L, I561L, I451L, I509L, I510L.
Identifiers: ClinVar variation 2083279 (VCV002083279.1), dbSNP rs762529905, ClinGen allele CA341315978.

ClinVar aggregate classification (germline): Uncertain significance (1 of 4 stars; one submission).

Conditions:
Glycogen storage disease type III (GSD3). Also called: Cori disease; FORBES DISEASE. Identifiers: Orphanet 366, MedGen C0017922, MONDO:0009291, OMIM 232400.

gnomAD v4.1: 3 of 1,613,456 alleles (0.00019%); highest among the groups gnomAD compares: South Asian, 0.0022%; no homozygotes.

Submission:

Labcorp Genetics (formerly Invitae), Labcorp
Classification: Uncertain significance for Glycogen storage disease type III. Last evaluated: 2022-05-05. Review status: criteria provided, single submitter. Criteria: Invitae Variant Classification Sherloc (09022015). Collection method: clinical testing. Allele origin: germline.
Comment: This sequence change replaces isoleucine, which is neutral and non-polar, with leucine, which is neutral and non-polar, at codon 577 of the AGL protein (p.Ile577Leu). This variant is present in population databases (no rsID available, gnomAD 0.003%). This variant has not been reported in the literature in individuals affected with AGL-related conditions. Algorithms developed to predict the effect of missense changes on protein structure and function are either unavailable or do not agree on the potential impact of this missense change (SIFT: "Deleterious"; PolyPhen-2: "Probably Damaging"; Align-GVGD: "Class C0"). In summary, the available evidence is currently insufficient to determine the role of this variant in disease. Therefore, it has been classified as a Variant of Uncertain Significance.